The following is an entry in ClinVar:

ClinVar aggregate classification (germline): Uncertain significance (1 of 4 stars; one submission).

Conditions:
Familial focal epilepsy with variable foci (FPEVF). Identifiers: Orphanet 98820, MedGen C1858477, MONDO:0020310.

Submission:

Labcorp Genetics (formerly Invitae), Labcorp
Classification: Uncertain significance for Familial focal epilepsy with variable foci. Last evaluated: 2021-08-06. Review status: criteria provided, single submitter. Criteria: Invitae Variant Classification Sherloc (09022015). Collection method: clinical testing. Allele origin: germline.
Comment: In summary, the available evidence is currently insufficient to determine the role of this variant in disease. Therefore, it has been classified as a Variant of Uncertain Significance. Algorithms developed to predict the effect of missense changes on protein structure and function are either unavailable or do not agree on the potential impact of this missense change (SIFT: "Deleterious"; PolyPhen-2: "Not Available"; Align-GVGD: "Class C0"). This variant has not been reported in the literature in individuals with DEPDC5-related conditions. This variant is not present in population databases (ExAC no frequency). This sequence change replaces proline with leucine at codon 27 of the DEPDC5 protein (p.Pro27Leu). The proline residue is highly conserved and there is a moderate physicochemical difference between proline and leucine.

NM_001242896.3(DEPDC5):c.80C>T (p.Pro27Leu)

Gene: DEPDC5 (DEP domain containing 5, GATOR1 subcomplex subunit; plus strand). Cytogenetic location: 22q12.2.
Variant type: single nucleotide variant.
Coding change: c.80C>T on transcript NM_001242896.3 (MANE Select); coding-DNA position 80, C replaced by T.
Protein change: p.Pro27Leu; replaces proline 27 with leucine.
Molecular consequence: missense variant. On other transcripts: non-coding transcript variant (5).
Genome position (GRCh38, 1-based): chr22:31,758,567, C>T. VCF-style: chr22-31758567-C-T. GRCh37 (hg19) VCF-style: chr22-32154553-C-T.
Other names: c.80C>T, p.Pro27Leu (NM_001007188.4, NM_001136029.4, NM_001242897.2 and 9 more transcripts); short protein forms P27L.
Identifiers: ClinVar variation 1047638 (VCV001047638.8), dbSNP rs1485949754, ClinGen allele CA411278811.